The following is an entry in ClinVar:

NM_017775.4(TTC19):c.581+4A>C

Gene: TTC19 (tetratricopeptide repeat domain 19; plus strand). Cytogenetic location: 17p12.
Variant type: single nucleotide variant.
Coding change: c.581+4A>C on transcript NM_017775.4 (MANE Select); 4 bases into the intron after coding-DNA position 581, A replaced by C.
Molecular consequence: intron variant.
Genome position (GRCh38, 1-based): chr17:16,004,266, A>C. VCF-style: chr17-16004266-A-C. GRCh37 (hg19) VCF-style: chr17-15907580-A-C.
Other names: c.260+4A>C (NM_001271420.2).
Identifiers: ClinVar variation 889256 (VCV000889256.6), dbSNP rs367636730, ClinGen allele CA8407446.

ClinVar aggregate classification (germline): Uncertain significance. Review status: criteria provided, multiple submitters, no conflicts (2 of 4 stars). 3 submissions from 3 submitters: Uncertain significance (3). Last evaluated 2026-06-04.

Conditions:
Mitochondrial complex III deficiency nuclear type 2. Identifiers: MedGen C3554605, MONDO:0014063, OMIM 615157.

Allele frequency attached by ClinVar (database versions not stated): gnomAD exomes below 0.00001 and 0.00002; ExAC 0.00001; TOPMed 0.00002; gnomAD 0.00003; ESP Exome Variant Server 0.00008.

Submissions (3):

Women's Health and Genetics/Laboratory Corporation of America, LabCorp
Classification: Uncertain significance. Last evaluated: 2026-06-04. Review status: criteria provided, single submitter. Criteria: LabCorp Variant Classification Summary - May 2015. Collection method: clinical testing. Allele origin: germline.
Comment: Variant summary: TTC19 c.581+4A>C alters a conserved nucleotide located close to a canonical splice site and therefore could affect mRNA splicing, leading to a significantly altered protein sequence. Consensus agreement among computation tools predict no significant impact on normal splicing. However, these predictions have yet to be confirmed by functional studies. The variant allele was found at a frequency of 4e-06 in 251408 control chromosomes. The available data on variant occurrences in the general population are insufficient to allow any conclusion about variant significance. To our knowledge, no occurrence of c.581+4A>C in individuals affected with TTC19-related conditions and no experimental evidence demonstrating its impact on protein function have been reported. ClinVar contains an entry for this variant (Variation ID: 889256). Based on the evidence outlined above, the variant was classified as uncertain significance.

GeneDx
Classification: Uncertain significance. Last evaluated: 2025-08-12. Review status: criteria provided, single submitter. Criteria: GeneDx Variant Classification Process June 2021. Collection method: clinical testing. Allele origin: germline. Affected: yes.
Comment: Not observed at significant frequency in large population cohorts (gnomAD); In silico analysis suggests that this variant does not alter splicing; Has not been previously published as pathogenic or benign to our knowledge

Illumina Laboratory Services, Illumina
Classification: Uncertain significance for Mitochondrial complex III deficiency nuclear type 2. Last evaluated: 2018-01-12. Review status: criteria provided, single submitter. Criteria: ICSL Variant Classification Criteria 13 December 2019. Collection method: clinical testing. Allele origin: germline.